The following continues an entry in ClinVar:

NM_001927.4(DES):c.665G>A (p.Arg222His)

Gene: DES. ClinVar aggregate classification (germline): Conflicting classifications of pathogenicity. Uncertain significance (9); Benign (1); Likely benign (5).

Submissions 13 to 17 of 17:

Illumina Laboratory Services, Illumina
Classification: Likely benign for Dilated cardiomyopathy 1I. Last evaluated: 2017-04-27. Review status: criteria provided, single submitter. Criteria: ICSL Variant Classification Criteria 13 December 2019. Collection method: clinical testing. Allele origin: germline.
Comment: This variant was observed as part of a predisposition screen in an ostensibly healthy population. A literature search was performed for the gene, cDNA change, and amino acid change (where applicable). Publications were found based on this search. The evidence from the literature, in combination with allele frequency data from public databases where available, was sufficient to determine this variant is unlikely to cause disease. Therefore, this variant is classified as likely benign.

Illumina Laboratory Services, Illumina
Classification: Likely benign for Neurogenic scapuloperoneal syndrome, Kaeser type. Last evaluated: 2017-04-27. Review status: criteria provided, single submitter. Criteria: ICSL Variant Classification Criteria 13 December 2019. Collection method: clinical testing. Allele origin: germline.
Comment: This variant was observed as part of a predisposition screen in an ostensibly healthy population. A literature search was performed for the gene, cDNA change, and amino acid change (where applicable). No publications were found based on this search. Allele frequency data from public databases allowed determination this variant is unlikely to cause disease. Therefore, this variant is classified as likely benign.

Laboratory for Molecular Medicine, Mass General Brigham Personalized Medicine
Classification: Uncertain significance. Last evaluated: 2013-04-12. Review status: criteria provided, single submitter. Criteria: LMM Criteria. Collection method: clinical testing. Allele origin: germline. Observed: 1 variant allele.
Comment: The Arg222His variant in DES has not been reported in individuals with cardiomyo pathy or in large population studies. Computational analyses (biochemical amino acid properties, conservation, AlignGVGD, PolyPhen2, and SIFT) do not provide st rong support for or against an impact to the protein. Additional information is needed to fully assess the clinical significance of this variant.

Genome Diagnostics Laboratory, University Medical Center Utrecht
Classification: Likely benign. Review status: no assertion criteria provided. Collection method: clinical testing. Allele origin: germline. Affected: yes. Study: VKGL Data-share Consensus. Not counted in ClinVar's aggregate classification.

Joint Genome Diagnostic Labs from Nijmegen and Maastricht, Radboudumc and MUMC+
Classification: Likely benign. Review status: no assertion criteria provided. Collection method: clinical testing. Allele origin: germline. Affected: yes. Study: VKGL Data-share Consensus. Not counted in ClinVar's aggregate classification.

Literature cited by the submitters: PubMed 28416588 (cited by 5 submitters); PubMed 33552729 (cited by Women's Health and Genetics/Laboratory Corporation of America, LabCorp); PubMed 32150461 (cited by 5 submitters); PubMed 25928149 (cited by 6 submitters); PubMed 41235435 (cited by Women's Health and Genetics/Laboratory Corporation of America, LabCorp); PubMed 33652119 (cited by Mayo Clinic Laboratories, Mayo Clinic and Athena Diagnostics).